The following is an entry in ClinVar:

NM_020795.4(NLGN2):c.2353C>T (p.Pro785Ser)

Gene: NLGN2 (neuroligin 2; plus strand). Cytogenetic location: 17p13.1.
Variant type: single nucleotide variant.
Coding change: c.2353C>T on transcript NM_020795.4 (MANE Select); coding-DNA position 2353, C replaced by T.
Protein change: p.Pro785Ser; replaces proline 785 with serine.
Molecular consequence: missense variant.
Genome position (GRCh38, 1-based): chr17:7,417,644, C>T. VCF-style: chr17-7417644-C-T. GRCh37 (hg19) VCF-style: chr17-7320963-C-T.
Other names: short protein forms P785S.
Identifiers: ClinVar variation 3360935 (VCV003360935.1).

ClinVar aggregate classification (germline): Uncertain significance (1 of 4 stars; one submission).

gnomAD v4.1: 1 of 1,405,536 alleles (0.000071%); highest among the groups gnomAD compares: Middle Eastern, 0.026%; no homozygotes.

Submission:

GeneDx
Classification: Uncertain significance. Last evaluated: 2023-07-11. Review status: criteria provided, single submitter. Criteria: GeneDx Variant Classification Process June 2021. Collection method: clinical testing. Allele origin: germline. Affected: yes.
Comment: Not observed at significant frequency in large population cohorts (gnomAD); In silico analysis supports that this missense variant has a deleterious effect on protein structure/function; Has not been previously published as pathogenic or benign to our knowledge